The following is an entry in ClinVar:

ClinVar aggregate classification (germline): Uncertain significance. Review status: criteria provided, multiple submitters, no conflicts (2 of 4 stars). 2 submissions from 2 submitters: Uncertain significance (2). Last evaluated 2025-12-16.

Allele frequency attached by ClinVar (database versions not stated): gnomAD exomes below 0.00001; TOPMed below 0.00001.

Submissions (2):

Ambry Genetics
Classification: Uncertain significance. Last evaluated: 2025-12-16. Review status: criteria provided, single submitter. Criteria: Ambry Variant Classification Scheme 2023. Collection method: clinical testing. Allele origin: germline.

Labcorp Genetics (formerly Invitae), Labcorp
Classification: Uncertain significance. Last evaluated: 2022-09-23. Review status: criteria provided, single submitter. Criteria: Invitae Variant Classification Sherloc (09022015). Collection method: clinical testing. Allele origin: germline.
Comment: In summary, the available evidence is currently insufficient to determine the role of this variant in disease. Therefore, it has been classified as a Variant of Uncertain Significance. Algorithms developed to predict the effect of missense changes on protein structure and function are either unavailable or do not agree on the potential impact of this missense change (SIFT: "Deleterious"; PolyPhen-2: "Benign"; Align-GVGD: "Class C0"). This variant has not been reported in the literature in individuals affected with HMCN1-related conditions. This variant is not present in population databases (gnomAD no frequency). This sequence change replaces aspartic acid, which is acidic and polar, with glycine, which is neutral and non-polar, at codon 1556 of the HMCN1 protein (p.Asp1556Gly).

NM_031935.3(HMCN1):c.4667A>G (p.Asp1556Gly)

Gene: HMCN1 (hemicentin 1; plus strand). Cytogenetic location: 1q31.1.
Variant type: single nucleotide variant.
Coding change: c.4667A>G on transcript NM_031935.3 (MANE Select); coding-DNA position 4667, A replaced by G.
Protein change: p.Asp1556Gly; replaces aspartic acid 1556 with glycine.
Molecular consequence: missense variant.
Genome position (GRCh38, 1-based): chr1:186,015,195, A>G. VCF-style: chr1-186015195-A-G. GRCh37 (hg19) VCF-style: chr1-185984327-A-G.
Other names: c.4667A>G (NM_031935.2); short protein forms D1556G.
Identifiers: ClinVar variation 1930869 (VCV001930869.6), dbSNP rs1289956160, ClinGen allele CA343884668.
Genomic context (GRCh38, chr1:186,015,195, plus strand): 5'-TTTTTGTTCTGAAATCCTTTGTAGTTCCACCTAGTATTAAAGGAGGAAATGTCACCACAG[A>G]CATATCAGTATTGATCAACAGCCTTATTAAACTGGAATGTGAAACACGGGGACTTCCAAT-3'
Protein context (NP_114141.2, residues 1546-1566): PSIKGGNVTT[Asp1556Gly]ISVLINSLIK